The following is an entry in ClinVar:

NM_004628.5(XPC):c.220A>T (p.Lys74Ter)

Gene: XPC (XPC complex subunit, DNA damage recognition and repair factor; minus strand). Cytogenetic location: 3p25.1.
Variant type: single nucleotide variant.
Coding change: c.220A>T on transcript NM_004628.5 (MANE Select); coding-DNA position 220, A replaced by T.
Protein change: p.Lys74Ter; replaces lysine 74 with a stop codon.
Molecular consequence: nonsense. On other transcripts: 5 prime UTR variant (1), non-coding transcript variant (2).
Genome position (GRCh38, 1-based): chr3:14,172,946, T>A on the plus strand (A>T on the coding strand, the complement: XPC is on the minus strand). VCF-style: chr3-14172946-T-A. GRCh37 (hg19) VCF-style: chr3-14214446-T-A.
Other names: c.-236A>T (NM_001354726.2); c.220A>T, p.Lys74Ter (NM_001354727.2, NM_001354730.2); c.202A>T, p.Lys68Ter (NM_001354729.2); short protein forms K68*, K74*.
Identifiers: ClinVar variation 1453188 (VCV001453188.3), dbSNP rs2125046000, ClinGen allele CA351543161.

ClinVar aggregate classification (germline): Pathogenic (1 of 4 stars; one submission).

Submission:

Labcorp Genetics (formerly Invitae), Labcorp
Classification: Pathogenic. Last evaluated: 2021-10-07. Review status: criteria provided, single submitter. Criteria: Invitae Variant Classification Sherloc (09022015). Collection method: clinical testing. Allele origin: germline.
Comment: This sequence change creates a premature translational stop signal (p.Lys74*) in the XPC gene. It is expected to result in an absent or disrupted protein product. Loss-of-function variants in XPC are known to be pathogenic (PMID: 23173980, 25256075). This variant is not present in population databases (ExAC no frequency). This variant has not been reported in the literature in individuals affected with XPC-related conditions. Algorithms developed to predict the effect of sequence changes on RNA splicing suggest that this variant may create or strengthen a splice site. For these reasons, this variant has been classified as Pathogenic.

Literature cited by the submitters: PubMed 23173980; PubMed 25256075.